The following is an entry in ClinVar:

NM_000135.4(FANCA):c.3788T>A (p.Phe1263Tyr)

Genes: FANCA (FA complementation group A; minus strand), ZNF276 (zinc finger protein 276; plus strand). Cytogenetic location: 16q24.3.
Variant type: single nucleotide variant.
Coding change: c.3788T>A on transcript NM_000135.4 (MANE Select); coding-DNA position 3788, T replaced by A.
Protein change: p.Phe1263Tyr; replaces phenylalanine 1263 with tyrosine.
Molecular consequence: missense variant. On other transcripts: 3 prime UTR variant (2), non-coding transcript variant (4).
Genome position (GRCh38, 1-based): chr16:89,740,844, A>T on the plus strand (T>A on the coding strand, the complement: FANCA is on the minus strand). VCF-style: chr16-89740844-A-T. GRCh37 (hg19) VCF-style: chr16-89807252-A-T.
Other names: c.3788T>A, p.Phe1263Tyr (NM_001286167.3); c.*2598A>T (NM_001113525.2, NM_152287.4); short protein forms F1263Y.
Identifiers: ClinVar variation 1912252 (VCV001912252.6), dbSNP rs2062115558, ClinGen allele CA397485207.
Genomic context (GRCh38, chr16:89,740,844, plus strand): 5'-GCTGGTAAGGTCTGACTTACATTTGAGGTCAGATGTGACGACAGCAGGCCCATCAAGGAG[A>T]AGAAGAAAAGGAAAACCAATAGCTGTAAATAAAAACGTGCACTTATTATTACATTAAAAT-3'
Protein context (NP_000126.2, residues 1253-1273): REELLVFLFF[Phe1263Tyr]SLMGLLSSHL

ClinVar aggregate classification (germline): Uncertain significance. Review status: criteria provided, multiple submitters, no conflicts (2 of 4 stars). 2 submissions from 2 submitters: Uncertain significance (2). Last evaluated 2026-03-30.

Conditions:
Fanconi anemia (FA). Also called: Fanconi's anemia. Identifiers: Orphanet 84, MedGen C0015625, MeSH D005199, MONDO:0019391.
Inborn genetic diseases. Identifiers: MedGen C0950123, MeSH D030342.

Submissions (2):

Ambry Genetics
Classification: Uncertain significance for Inborn genetic diseases. Last evaluated: 2026-03-30. Review status: criteria provided, single submitter. Criteria: Ambry Variant Classification Scheme 2023. Collection method: clinical testing. Allele origin: germline.
Comment: The p.F1263Y variant (also known as c.3788T>A), located in coding exon 38 of the FANCA gene, results from a T to A substitution at nucleotide position 3788. The phenylalanine at codon 1263 is replaced by tyrosine, an amino acid with highly similar properties. This amino acid position is conserved. In addition, the in silico prediction for this alteration is inconclusive. Based on the available evidence, the clinical significance of this variant remains unclear.

Labcorp Genetics (formerly Invitae), Labcorp
Classification: Uncertain significance for Fanconi anemia. Last evaluated: 2022-02-08. Review status: criteria provided, single submitter. Criteria: Invitae Variant Classification Sherloc (09022015). Collection method: clinical testing. Allele origin: germline.
Comment: This sequence change replaces phenylalanine, which is neutral and non-polar, with tyrosine, which is neutral and polar, at codon 1263 of the FANCA protein (p.Phe1263Tyr). This variant is not present in population databases (gnomAD no frequency). This variant has not been reported in the literature in individuals affected with FANCA-related conditions. Algorithms developed to predict the effect of missense changes on protein structure and function (SIFT, PolyPhen-2, Align-GVGD) all suggest that this variant is likely to be tolerated. In summary, the available evidence is currently insufficient to determine the role of this variant in disease. Therefore, it has been classified as a Variant of Uncertain Significance.